The following is an entry in ClinVar:

NM_001903.5(CTNNA1):c.500C>T (p.Ala167Val)

Gene: CTNNA1 (catenin alpha 1; plus strand). Cytogenetic location: 5q31.2.
Variant type: single nucleotide variant.
Coding change: c.500C>T on transcript NM_001903.5 (MANE Select); coding-DNA position 500, C replaced by T.
Protein change: p.Ala167Val; replaces alanine 167 with valine.
Molecular consequence: missense variant.
Genome position (GRCh38, 1-based): chr5:138,812,214, C>T. VCF-style: chr5-138812214-C-T. GRCh37 (hg19) VCF-style: chr5-138147903-C-T.
Other names: c.500C>T, p.Ala167Val (NM_001290307.3, NM_001323982.2, NM_001323983.1 and 3 more transcripts); c.191C>T, p.Ala64Val (NM_001290309.3); c.131C>T, p.Ala44Val (NM_001290310.3); short protein forms A167V, A44V, A64V.
Identifiers: ClinVar variation 3221918 (VCV003221918.1), dbSNP rs2149736565, ClinGen allele CA361125091.
Genomic context (GRCh38, chr5:138,812,214, plus strand): 5'-TGGGTTTTGGGGTCTTTCTTATTTTATAGGTGGAAGATGGTATCTTGAAGTTGAGGAATG[C>T]TGGCAATGAACAAGACTTAGGAATCCAGTATAAAGCCCTAAAACCTGAAGTGGATAAGCT-3'
Protein context (NP_001894.2, residues 157-177): VEDGILKLRN[Ala167Val]GNEQDLGIQY

ClinVar aggregate classification (germline): Uncertain significance (1 of 4 stars; one submission).

Conditions:
Hereditary cancer-predisposing syndrome. Also called: Tumor predisposition; Hereditary neoplastic syndrome; Hereditary Cancer Syndrome; Neoplastic Syndromes, Hereditary. Identifiers: Orphanet 140162, MedGen C0027672, MeSH D009386, MONDO:0015356.

Submission:

Ambry Genetics
Classification: Uncertain significance for Hereditary cancer-predisposing syndrome. Last evaluated: 2024-01-16. Review status: criteria provided, single submitter. Criteria: Ambry Variant Classification Scheme 2023. Collection method: clinical testing. Allele origin: germline.
Comment: The p.A167V variant (also known as c.500C>T), located in coding exon 4 of the CTNNA1 gene, results from a C to T substitution at nucleotide position 500. The alanine at codon 167 is replaced by valine, an amino acid with similar properties. This amino acid position is conserved. In addition, the in silico prediction for this alteration is inconclusive. Since supporting evidence is limited at this time, the clinical significance of this alteration remains unclear.